The following is an entry in ClinVar:

NM_001378328.1(CELSR1):c.7387G>A (p.Gly2463Arg)

Genes: CELSR1 (cadherin EGF LAG seven-pass G-type receptor 1; minus strand), LOC121627952 (CDK7 strongly-dependent group 2 enhancer GRCh37_chr22:46772879-46774078; plus strand). Cytogenetic location: 22q13.31.
Variant type: single nucleotide variant.
Coding change: c.7387G>A on transcript NM_001378328.1 (MANE Select); coding-DNA position 7387, G replaced by A.
Protein change: p.Gly2463Arg; replaces glycine 2463 with arginine.
Molecular consequence: missense variant.
Genome position (GRCh38, 1-based): chr22:46,377,258, C>T on the plus strand (G>A on the coding strand, the complement: CELSR1 is on the minus strand). VCF-style: chr22-46377258-C-T. GRCh37 (hg19) VCF-style: chr22-46773155-C-T.
Other names: c.7387G>A, p.Gly2463Arg (NM_014246.4); c.7387G>A (NM_014246.3); short protein forms G2463R.
Identifiers: ClinVar variation 3588108 (VCV003588108.2).

ClinVar aggregate classification (germline): Uncertain significance. Review status: criteria provided, multiple submitters, no conflicts (2 of 4 stars). 2 submissions from 2 submitters: Uncertain significance (2). Last evaluated 2025-12-14.

Conditions:
Lymphatic malformation 9. Identifiers: MedGen C5543365, MONDO:0030270, OMIM 619319.

gnomAD v4.1: 128 of 1,613,780 alleles (0.0079%); highest among the groups gnomAD compares: South Asian, 0.0099%; no homozygotes.

Submissions (2):

Clinical Genomics Laboratory, Washington University in St. Louis
Classification: Uncertain significance for Lymphatic malformation 9. Last evaluated: 2025-12-14. Review status: criteria provided, single submitter. Criteria: ACMG Guidelines, 2015. Collection method: clinical testing. Allele origin: germline.
Comment: A CELSR1 c.7387G>A (p.Gly2463Arg) variant was identified at a heterozygous allelic fraction of 50%, a frequency which may be consistent with it being of germline origin. This variant, to our knowledge, has not been reported in the medical literature. It has been reported in the ClinVar database as a germline variant of uncertain significance in lymphatic malformation by one submitter (Variation ID: 3588108). It is observed on 128/1,613,780 alleles in the general population (gnomAD v4.1.0). Computational predictors are uncertain as to the impact of this variant on CELSR1 function. Due to limited information, and based on ACMG/AMP guidelines for variant interpretation (Richards S et al., PMID: 25741868), the clinical significance of this variant is uncertain at this time.

Fulgent Genetics
Classification: Uncertain significance for Lymphatic malformation 9. Last evaluated: 2024-02-27. Review status: criteria provided, single submitter. Criteria: ACMG Guidelines, 2015. Collection method: clinical testing. Allele origin: germline.